The following is an entry in ClinVar:

ClinVar aggregate classification (germline): Uncertain significance (1 of 4 stars; one submission).

Submission:

GeneDx
Classification: Uncertain significance. Last evaluated: 2024-11-19. Review status: criteria provided, single submitter. Criteria: GeneDx Variant Classification Process June 2021. Collection method: clinical testing. Allele origin: germline. Affected: yes.
Comment: Not observed at significant frequency in large population cohorts (gnomAD); Missense variants in this gene are a common cause of disease and they are underrepresented in the general population; In silico analysis supports that this missense variant has a deleterious effect on protein structure/function; Has not been previously published as pathogenic or benign to our knowledge; This variant is associated with the following publications: (PMID: 20829227)

NM_006086.4(TUBB3):c.791A>G (p.His264Arg)

Gene: TUBB3 (tubulin beta 3 class III; plus strand). Cytogenetic location: 16q24.3.
Variant type: single nucleotide variant.
Coding change: c.791A>G on transcript NM_006086.4 (MANE Select); coding-DNA position 791, A replaced by G.
Protein change: p.His264Arg; replaces histidine 264 with arginine.
Molecular consequence: missense variant.
Genome position (GRCh38, 1-based): chr16:89,935,242, A>G. VCF-style: chr16-89935242-A-G. GRCh37 (hg19) VCF-style: chr16-90001650-A-G.
Other names: c.575A>G, p.His192Arg (NM_001197181.2); short protein forms H192R, H264R.
Identifiers: ClinVar variation 3899455 (VCV003899455.1).